The following is an entry in ClinVar:

NM_004082.5(DCTN1):c.1592A>G (p.Asn531Ser)

Gene: DCTN1 (dynactin subunit 1; minus strand). Cytogenetic location: 2p13.1.
Variant type: single nucleotide variant.
Coding change: c.1592A>G on transcript NM_004082.5 (MANE Select); coding-DNA position 1592, A replaced by G.
Protein change: p.Asn531Ser; replaces asparagine 531 with serine.
Molecular consequence: missense variant. On other transcripts: non-coding transcript variant (1).
Genome position (GRCh38, 1-based): chr2:74,369,207, T>C on the plus strand (A>G on the coding strand, the complement: DCTN1 is on the minus strand). VCF-style: chr2-74369207-T-C. GRCh37 (hg19) VCF-style: chr2-74596334-T-C.
Other names: c.1532A>G, p.Asn511Ser (NM_001135040.3); c.1190A>G, p.Asn397Ser (NM_001135041.3, NM_023019.4); c.1481A>G, p.Asn494Ser (NM_001190836.2); c.1571A>G, p.Asn524Ser (NM_001190837.2); c.1541A>G, p.Asn514Ser (NM_001378991.1); c.1523A>G, p.Asn508Ser (NM_001378992.1); short protein forms N397S, N494S, N508S, N511S, N514S, N524S, N531S.
Identifiers: ClinVar variation 1013703 (VCV001013703.9), dbSNP rs367910524, ClinGen allele CA1722095.

ClinVar aggregate classification (germline): Uncertain significance (1 of 4 stars; one submission).

Conditions:
Perry syndrome. Also called: PARKINSONISM WITH ALVEOLAR HYPOVENTILATION AND MENTAL DEPRESSION. Identifiers: Orphanet 178509, MedGen C1868594, MONDO:0008201, OMIM 168605.
Neuronopathy, distal hereditary motor, type 7B. Also called: Distal Hereditary Motor Neuronopathy Type 7B (dHMN7B); NEURONOPATHY, DISTAL HEREDITARY MOTOR, AUTOSOMAL DOMINANT 14; NEURONOPATHY, DISTAL HEREDITARY MOTOR, HARDING TYPE VIIB; NEUROPATHY, DISTAL HEREDITARY MOTOR, HARDING TYPE VIIB; NEUROPATHY, DISTAL HEREDITARY MOTOR, WITH VOCAL CORD PARALYSIS, HARDING TYPE VIIB; HMN VIIB. Identifiers: Orphanet 139589, MedGen C1843315, MONDO:0011879, OMIM 607641.
Amyotrophic lateral sclerosis type 1 (ALS1). Also called: AMYOTROPHIC LATERAL SCLEROSIS 1, FAMILIAL. Identifiers: Orphanet 803, MedGen C1862939, MONDO:0007103, OMIM 105400.

Allele frequency attached by ClinVar (database versions not stated): gnomAD exomes below 0.00001; ExAC 0.00001; ESP Exome Variant Server 0.00008.

Submission:

Labcorp Genetics (formerly Invitae), Labcorp
Classification: Uncertain significance for Amyotrophic lateral sclerosis type 1; Neuronopathy, distal hereditary motor, type 7B; Perry syndrome. Last evaluated: 2020-04-23. Review status: criteria provided, single submitter. Criteria: Invitae Variant Classification Sherloc (09022015). Collection method: clinical testing. Allele origin: germline.
Comment: In summary, the available evidence is currently insufficient to determine the role of this variant in disease. Therefore, it has been classified as a Variant of Uncertain Significance. Algorithms developed to predict the effect of missense changes on protein structure and function (SIFT, PolyPhen-2, Align-GVGD) all suggest that this variant is likely to be disruptive, but these predictions have not been confirmed by published functional studies and their clinical significance is uncertain. This variant has not been reported in the literature in individuals with DCTN1-related conditions. This variant is present in population databases (rs367910524, ExAC 0.001%). This sequence change replaces asparagine with serine at codon 531 of the DCTN1 protein (p.Asn531Ser). The asparagine residue is highly conserved and there is a small physicochemical difference between asparagine and serine.